The following is an entry in ClinVar:

ClinVar aggregate classification (germline): Uncertain significance (1 of 4 stars; one submission).

Submission:

Labcorp Genetics (formerly Invitae), Labcorp
Classification: Uncertain significance. Last evaluated: 2024-10-17. Review status: criteria provided, single submitter. Criteria: Invitae Variant Classification Sherloc (09022015). Collection method: clinical testing. Allele origin: germline.
Comment: This sequence change replaces phenylalanine, which is neutral and non-polar, with leucine, which is neutral and non-polar, at codon 28 of the GRIN2D protein (p.Phe28Leu). The frequency data for this variant in the population databases is considered unreliable, as metrics indicate insufficient coverage at this position in the gnomAD database. This variant has not been reported in the literature in individuals affected with GRIN2D-related conditions. Invitae Evidence Modeling of protein sequence and biophysical properties (such as structural, functional, and spatial information, amino acid conservation, physicochemical variation, residue mobility, and thermodynamic stability) indicates that this missense variant is not expected to disrupt GRIN2D protein function with a negative predictive value of 95%. In summary, the available evidence is currently insufficient to determine the role of this variant in disease. Therefore, it has been classified as a Variant of Uncertain Significance.

NM_000836.4(GRIN2D):c.82T>C (p.Phe28Leu)

Gene: GRIN2D (glutamate ionotropic receptor NMDA type subunit 2D; plus strand). Cytogenetic location: 19q13.33.
Variant type: single nucleotide variant.
Coding change: c.82T>C on transcript NM_000836.4 (MANE Select); coding-DNA position 82, T replaced by C.
Protein change: p.Phe28Leu; replaces phenylalanine 28 with leucine.
Molecular consequence: missense variant.
Genome position (GRCh38, 1-based): chr19:48,398,474, T>C. VCF-style: chr19-48398474-T-C. GRCh37 (hg19) VCF-style: chr19-48901731-T-C.
Other names: short protein forms F28L.
Identifiers: ClinVar variation 3630953 (VCV003630953.2).